The following is an entry in ClinVar:

ClinVar aggregate classification (germline): Pathogenic (1 of 4 stars; one submission).

Conditions:
Fanconi anemia (FA). Also called: Fanconi's anemia. Identifiers: Orphanet 84, MedGen C0015625, MeSH D005199, MONDO:0019391.

Submission:

Labcorp Genetics (formerly Invitae), Labcorp
Classification: Pathogenic for Fanconi anemia. Last evaluated: 2019-12-29. Review status: criteria provided, single submitter. Criteria: Invitae Variant Classification Sherloc (09022015). Collection method: clinical testing. Allele origin: germline.
Comment: For these reasons, this variant has been classified as Pathogenic. Loss-of-function variants in FANCM are known to be pathogenic (PMID: 29895858, 30075111). This variant has not been reported in the literature in individuals with FANCM-related conditions. This variant is not present in population databases (ExAC no frequency). This sequence change creates a premature translational stop signal (p.Ile559Metfs*3) in the FANCM gene. It is expected to result in an absent or disrupted protein product.

Literature cited by the submitters: PubMed 29895858; PubMed 30075111.

NM_020937.4(FANCM):c.1677_1678del (p.Ile559fs)

Gene: FANCM (FA complementation group M; plus strand). Cytogenetic location: 14q21.2.
Variant type: Microsatellite.
Coding change: c.1677_1678del on transcript NM_020937.4 (MANE Select); coding-DNA positions 1677 to 1678, 2 bases deleted (AT; older notation c.1677_1678delAT).
Protein change: p.Ile559fs; shifts the reading frame from isoleucine 559.
Molecular consequence: frameshift variant.
Genome position (GRCh38, 1-based): chr14:45,164,454-45,164,455, AT deleted; deleting any 2 consecutive bases within chr14:45,164,452-45,164,455 gives the same sequence; the c. name uses the placement nearest the transcript's 3' end. VCF-style (leftmost placement, unchanged base first): chr14-45164451-AAT-A. GRCh37 (hg19) VCF-style: chr14-45633654-AAT-A.
Other names: c.1599_1600del, p.Ile533fs (NM_001308133.2); c.1677_1678del, p.Ile559fs (NM_001308134.2); short protein forms I533fs, I559fs.
Identifiers: ClinVar variation 860363 (VCV000860363.7), dbSNP rs1887822022, ClinGen allele CA916081709.